The following is an entry in ClinVar:

ClinVar aggregate classification (germline): Uncertain significance. Review status: criteria provided, multiple submitters, no conflicts (2 of 4 stars). 2 submissions from 2 submitters: Uncertain significance (2). Last evaluated 2021-08-31.

Conditions:
Vanishing white matter disease. Also called: CACH syndrome; Childhood ataxia with diffuse central nervous system hypomyelination; Leukoencephalopathy with vanishing white matter; CACH/VWM syndrome; Cree leukoencehalopathy. Identifiers: Orphanet 135, Orphanet 99853, MedGen C1858991, MONDO:0800448.

Allele frequency attached by ClinVar (database versions not stated): TOPMed below 0.00001; ExAC 0.00001; gnomAD 0.00001; gnomAD exomes 0.00001; 1000 Genomes Project 30x 0.00016; 1000 Genomes Project 0.00020.
gnomAD v4.1: 35 of 1,614,030 alleles (0.0022%); highest among the groups gnomAD compares: Non-Finnish European, 0.0029%; no homozygotes.

Submissions (2):

Labcorp Genetics (formerly Invitae), Labcorp
Classification: Uncertain significance. Last evaluated: 2021-08-31. Review status: criteria provided, single submitter. Criteria: Invitae Variant Classification Sherloc (09022015). Collection method: clinical testing. Allele origin: germline.
Comment: This sequence change replaces methionine with valine at codon 668 of the EIF2B5 protein (p.Met668Val). The methionine residue is moderately conserved and there is a small physicochemical difference between methionine and valine. This variant is present in population databases (rs201280946, ExAC 0.002%). This variant has not been reported in the literature in individuals affected with EIF2B5-related conditions. ClinVar contains an entry for this variant (Variation ID: 344338). Algorithms developed to predict the effect of missense changes on protein structure and function (SIFT, PolyPhen-2, Align-GVGD) all suggest that this variant is likely to be tolerated. In summary, the available evidence is currently insufficient to determine the role of this variant in disease. Therefore, it has been classified as a Variant of Uncertain Significance.

Illumina Laboratory Services, Illumina
Classification: Uncertain significance for Leukoencephalopathy with vanishing white matter 1. Last evaluated: 2018-01-13. Review status: criteria provided, single submitter. Criteria: ICSL Variant Classification Criteria 13 December 2019. Collection method: clinical testing. Allele origin: germline.

NM_003907.3(EIF2B5):c.2002A>G (p.Met668Val)

Gene: EIF2B5 (eukaryotic translation initiation factor 2B subunit epsilon; plus strand). Cytogenetic location: 3q27.1.
Variant type: single nucleotide variant.
Coding change: c.2002A>G on transcript NM_003907.3 (MANE Select); coding-DNA position 2002, A replaced by G.
Protein change: p.Met668Val; replaces methionine 668 with valine.
Molecular consequence: missense variant.
Genome position (GRCh38, 1-based): chr3:184,144,603, A>G. VCF-style: chr3-184144603-A-G. GRCh37 (hg19) VCF-style: chr3-183862391-A-G.
Other names: short protein forms M668V.
Identifiers: ClinVar variation 344338 (VCV000344338.9), dbSNP rs201280946, ClinGen allele CA2726871.